The following is an entry in ClinVar:

ClinVar aggregate classification (germline): Uncertain significance (1 of 4 stars; one submission).

Allele frequency attached by ClinVar (database versions not stated): gnomAD exomes below 0.00001; gnomAD 0.00001; TOPMed 0.00002.
gnomAD v4.1: 7 of 1,611,692 alleles (0.00043%); highest among the groups gnomAD compares: African/African-American, 0.0013%; no homozygotes.

Submission:

Labcorp Genetics (formerly Invitae), Labcorp
Classification: Uncertain significance. Last evaluated: 2022-08-16. Review status: criteria provided, single submitter. Criteria: Invitae Variant Classification Sherloc (09022015). Collection method: clinical testing. Allele origin: germline.
Comment: This sequence change replaces leucine, which is neutral and non-polar, with valine, which is neutral and non-polar, at codon 1008 of the SPTBN2 protein (p.Leu1008Val). This variant is present in population databases (no rsID available, gnomAD 0.0009%). This variant has not been reported in the literature in individuals affected with SPTBN2-related conditions. ClinVar contains an entry for this variant (Variation ID: 1351471). In summary, the available evidence is currently insufficient to determine the role of this variant in disease. Therefore, it has been classified as a Variant of Uncertain Significance. Algorithms developed to predict the effect of missense changes on protein structure and function (SIFT, PolyPhen-2, Align-GVGD) all suggest that this variant is likely to be disruptive.

NM_006946.4(SPTBN2):c.3022C>G (p.Leu1008Val)

Gene: SPTBN2 (spectrin beta, non-erythrocytic 2; minus strand). Cytogenetic location: 11q13.2.
Variant type: single nucleotide variant.
Coding change: c.3022C>G on transcript NM_006946.4 (MANE Select); coding-DNA position 3022, C replaced by G.
Protein change: p.Leu1008Val; replaces leucine 1008 with valine.
Molecular consequence: missense variant.
Genome position (GRCh38, 1-based): chr11:66,701,077, G>C on the plus strand (C>G on the coding strand, the complement: SPTBN2 is on the minus strand). VCF-style: chr11-66701077-G-C. GRCh37 (hg19) VCF-style: chr11-66468548-G-C.
Other names: short protein forms L1008V.
Identifiers: ClinVar variation 1351471 (VCV001351471.8), dbSNP rs954882510, ClinGen allele CA224083582.
Genomic context (GRCh38, chr11:66,701,077, plus strand): 5'-CGGCAGCCAGGGCATTTGCCTCTCGAGTCAGTTCGCCCACCCGGGCGGCGATGGCCTCCA[G>C]GTCCCGCTCCGTGCCGGCCAGCTTGCGCTGCAGGGCCAGCACCCCAGCCAGATCGTTGCC-3'
Protein context (NP_008877.2, residues 998-1018): QRKLAGTERD[Leu1008Val]EAIAARVGEL